The following is an entry in ClinVar:

NM_182931.3(KMT2E):c.4636C>T (p.Pro1546Ser)

Gene: KMT2E (lysine methyltransferase 2E (inactive); plus strand). Cytogenetic location: 7q22.3.
Variant type: single nucleotide variant.
Coding change: c.4636C>T on transcript NM_182931.3 (MANE Select); coding-DNA position 4636, C replaced by T.
Protein change: p.Pro1546Ser; replaces proline 1546 with serine.
Molecular consequence: missense variant.
Genome position (GRCh38, 1-based): chr7:105,112,392, C>T. VCF-style: chr7-105112392-C-T. GRCh37 (hg19) VCF-style: chr7-104752839-C-T.
Other names: c.4510C>T, p.Pro1504Ser (NM_001410908.1); c.4636C>T, p.Pro1546Ser (NM_018682.4); short protein forms P1546S, P1504S.
Identifiers: ClinVar variation 3700517 (VCV003700517.3).
Genomic context (GRCh38, chr7:105,112,392, plus strand): 5'-CAATCTTCAGCAACATACAGTCAGTTTAACCAACAAAGTCTGAACAGCACGGCACCACCC[C>T]CTCCACCTCCTCCACCTCCTTCTTCGTCTTACTATCAAAACCAGCAGCCCTCTGCAAACT-3'
Protein context (NP_891847.1, residues 1536-1556): QQSLNSTAPP[Pro1546Ser]PPPPPPSSSY

ClinVar aggregate classification (germline): Uncertain significance. Review status: criteria provided, multiple submitters, no conflicts (2 of 4 stars). 2 submissions from 2 submitters: Uncertain significance (2). Last evaluated 2026-08-06.

Conditions:
O'Donnell-Luria-Rodan syndrome (ODLURO). Also called: KMT2E-Related Neurodevelopmental Disorder. Identifiers: MedGen C5193138, MONDO:0032793, OMIM 618512.

Submissions (2):

OLLIN Analises Genomicas, OLLIN
Classification: Uncertain significance for O'Donnell-Luria-Rodan syndrome. Last evaluated: 2026-08-06. Review status: criteria provided, single submitter. Criteria: ACMG Guidelines 2015 PMID 25741868. Collection method: clinical testing. Allele origin: germline. Inheritance: Autosomal dominant inheritance.
Comment: This missense variant, located in exon 27 (of 27), is absent from gnomAD and has not been identified in the literature. However, it has been reported in ClinVar (accession VCV003700517.2). In silico analysis is inconclusive regarding the impact of this variant. According to the currently available evidence, this variant has been classified as uncertain significance (PM2_P).

Labcorp Genetics (formerly Invitae), Labcorp
Classification: Uncertain significance. Last evaluated: 2024-03-31. Review status: criteria provided, single submitter. Criteria: Invitae Variant Classification Sherloc (09022015). Collection method: clinical testing. Allele origin: germline.
Comment: This sequence change replaces proline, which is neutral and non-polar, with serine, which is neutral and polar, at codon 1546 of the KMT2E protein (p.Pro1546Ser). This variant is not present in population databases (gnomAD no frequency). This variant has not been reported in the literature in individuals affected with KMT2E-related conditions. An algorithm developed to predict the effect of missense changes on protein structure and function (PolyPhen-2) suggests that this variant is likely to be disruptive. In summary, the available evidence is currently insufficient to determine the role of this variant in disease. Therefore, it has been classified as a Variant of Uncertain Significance.